The following is an entry in ClinVar:

NM_005138.3(SCO2):c.70G>A (p.Gly24Arg)

Genes: NCAPH2 (non-SMC condensin II complex subunit H2; plus strand), SCO2 (synthesis of cytochrome C oxidase 2; minus strand). Cytogenetic location: 22q13.33.
Variant type: single nucleotide variant.
Coding change: c.70G>A on transcript NM_005138.3 (MANE Select); coding-DNA position 70, G replaced by A.
Protein change: p.Gly24Arg; replaces glycine 24 with arginine.
Molecular consequence: missense variant. On other transcripts: 3 prime UTR variant (2).
Genome position (GRCh38, 1-based): chr22:50,524,342, C>T on the plus strand (G>A on the coding strand, the complement: SCO2 is on the minus strand). VCF-style: chr22-50524342-C-T. GRCh37 (hg19) VCF-style: chr22-50962771-C-T.
Other names: c.*967C>T (NM_001185011.2, NM_152299.4); c.70G>A, p.Gly24Arg (NM_001169109.2, NM_001169110.1, NM_001169111.2); short protein forms G24R.
Identifiers: ClinVar variation 1445113 (VCV001445113.4), dbSNP rs945980766, ClinGen allele CA325556284.

ClinVar aggregate classification (germline): Uncertain significance (1 of 4 stars; one submission).

Allele frequency attached by ClinVar (database versions not stated): gnomAD exomes 0.00001 and 0.00002; gnomAD 0.00001; TOPMed 0.00004.

Submission:

Labcorp Genetics (formerly Invitae), Labcorp
Classification: Uncertain significance. Last evaluated: 2025-06-27. Review status: criteria provided, single submitter. Criteria: Invitae Variant Classification Sherloc (09022015). Collection method: clinical testing. Allele origin: germline.
Comment: This sequence change replaces glycine, which is neutral and non-polar, with arginine, which is basic and polar, at codon 24 of the SCO2 protein (p.Gly24Arg). This variant is present in population databases (no rsID available, gnomAD 0.01%). This variant has not been reported in the literature in individuals affected with SCO2-related conditions. ClinVar contains an entry for this variant (Variation ID: 1445113). An algorithm developed to predict the effect of missense changes on protein structure and function outputs the following: PolyPhen-2: "Benign". The arginine amino acid residue is found in multiple mammalian species, which suggests that this missense change does not adversely affect protein function. In summary, the available evidence is currently insufficient to determine the role of this variant in disease. Therefore, it has been classified as a Variant of Uncertain Significance.